The following is an entry in ClinVar:

ClinVar aggregate classification (germline): Benign/Likely benign. Review status: criteria provided, multiple submitters, no conflicts (2 of 4 stars). 4 submissions from 4 submitters: Benign (3); Likely benign (1). Last evaluated 2025-02-19.

Conditions:
MYH8-related disorder. Also called: MYH8-related condition.
Hecht syndrome (DA7). Also called: MOUTH, INABILITY TO OPEN COMPLETELY, AND SHORT FINGER-FLEXOR TENDONS; Dutch-Kentucky syndrome. Identifiers: Orphanet 3377, MedGen C0265226, MONDO:0008016, OMIM 158300. Disease mechanism: gain of function.

Allele frequency attached by ClinVar (database versions not stated): gnomAD 0.00009 and 0.00046; TOPMed 0.00017; ESP Exome Variant Server 0.00023; gnomAD exomes 0.00081 and 0.00140; ExAC 0.00154; 1000 Genomes Project 0.00260; 1000 Genomes Project 30x 0.00297.
gnomAD v4.1: 1,260 of 1,614,150 alleles (0.078%); highest among the groups gnomAD compares: South Asian, 1.2%; 12 homozygotes.

Submissions (4):

PreventionGenetics, part of Exact Sciences
Classification: Benign for MYH8-related condition. Last evaluated: 2025-02-19. Review status: criteria provided, single submitter. Criteria: ACMG Guidelines, 2015. Collection method: clinical testing. Allele origin: germline.
Comment: This variant is classified as benign based on ACMG/AMP sequence variant interpretation guidelines (Richards et al. 2015 PMID: 25741868, with internal and published modifications).

Blueprint Genetics
Classification: Benign. Last evaluated: 2024-09-24. Review status: criteria provided, single submitter. Criteria: ACMG Guidelines, 2015. Collection method: clinical testing. Allele origin: germline.

Labcorp Genetics (formerly Invitae), Labcorp
Classification: Benign. Last evaluated: 2019-12-31. Review status: criteria provided, single submitter. Criteria: Invitae Variant Classification Sherloc (09022015). Collection method: clinical testing. Allele origin: germline.

Illumina Laboratory Services, Illumina
Classification: Likely benign for Hecht syndrome. Last evaluated: 2018-01-13. Review status: criteria provided, single submitter. Criteria: ICSL Variant Classification Criteria 13 December 2019. Collection method: clinical testing. Allele origin: germline.
Comment: This variant was observed in the ICSL laboratory as part of a predisposition screen in an ostensibly healthy population. It had not been previously curated by ICSL or reported in the Human Gene Mutation Database (HGMD: prior to June 1st, 2018), and was therefore a candidate for classification through an automated scoring system. Utilizing variant allele frequency, disease prevalence and penetrance estimates, and inheritance mode, an automated score was calculated to assess if this variant is too frequent to cause the disease. Based on the score and internal cut-off values, a variant classified as likely benign is not then subjected to further curation. The score for this variant resulted in a classification of likely benign for this disease.

NM_002472.3(MYH8):c.675C>T (p.Ser225=)

Genes: MYH8 (myosin heavy chain 8; minus strand), MYHAS (myosin heavy chain gene cluster antisense RNA; plus strand). Cytogenetic location: 17p13.1.
Variant type: single nucleotide variant.
Coding change: c.675C>T on transcript NM_002472.3 (MANE Select); coding-DNA position 675, C replaced by T.
Protein change: p.Ser225=; no amino-acid change (serine 225 retained).
Molecular consequence: synonymous variant.
Genome position (GRCh38, 1-based): chr17:10,415,358, G>A on the plus strand (C>T on the coding strand, the complement: MYH8 is on the minus strand). VCF-style: chr17-10415358-G-A. GRCh37 (hg19) VCF-style: chr17-10318675-G-A.
Identifiers: ClinVar variation 321653 (VCV000321653.11), dbSNP rs146651214, ClinGen allele CA8388287.